The following is an entry in ClinVar:

NM_015693.4(INTU):c.2595T>A (p.Asp865Glu)

Gene: INTU (inturned planar cell polarity protein; plus strand). Cytogenetic location: 4q28.1.
Variant type: single nucleotide variant.
Coding change: c.2595T>A on transcript NM_015693.4 (MANE Select); coding-DNA position 2595, T replaced by A.
Protein change: p.Asp865Glu; replaces aspartic acid 865 with glutamic acid.
Molecular consequence: missense variant.
Genome position (GRCh38, 1-based): chr4:127,713,971, T>A. VCF-style: chr4-127713971-T-A. GRCh37 (hg19) VCF-style: chr4-128635126-T-A.
Other names: short protein forms D865E.
Identifiers: ClinVar variation 1355534 (VCV001355534.6), dbSNP rs2148738991, ClinGen allele CA358144254.
Genomic context (GRCh38, chr4:127,713,971, plus strand): 5'-ACTAACAATACCTATTAATTTACAGAAAAAGAAAGGACTAAATAGTGGAGACCATTCAGA[T>A]TCTGCAAAGTCAGTGTCTTCTCTTAACCCTGTTAAAGAACATGGTGTGTTGTTTGAATGT-3'
Protein context (NP_056508.2, residues 855-875): KKGLNSGDHS[Asp865Glu]SAKSVSSLNP

ClinVar aggregate classification (germline): Uncertain significance (1 of 4 stars; one submission).

Submission:

Labcorp Genetics (formerly Invitae), Labcorp
Classification: Uncertain significance. Last evaluated: 2021-08-25. Review status: criteria provided, single submitter. Criteria: Invitae Variant Classification Sherloc (09022015). Collection method: clinical testing. Allele origin: germline.
Comment: In summary, the available evidence is currently insufficient to determine the role of this variant in disease. Therefore, it has been classified as a Variant of Uncertain Significance. Algorithms developed to predict the effect of missense changes on protein structure and function output the following: SIFT: "Tolerated"; PolyPhen-2: "Benign"; Align-GVGD: "Class C0". The glutamic acid amino acid residue is found in multiple mammalian species, which suggests that this missense change does not adversely affect protein function. This variant has not been reported in the literature in individuals affected with INTU-related conditions. This variant is not present in population databases (ExAC no frequency). This sequence change replaces aspartic acid with glutamic acid at codon 865 of the INTU protein (p.Asp865Glu). The aspartic acid residue is weakly conserved and there is a small physicochemical difference between aspartic acid and glutamic acid.